The following is an entry in ClinVar:

NM_001378454.1(ALMS1):c.4758A>G (p.Pro1586=)

Gene: ALMS1 (ALMS1 centrosome and basal body associated protein; plus strand). Cytogenetic location: 2p13.1.
Variant type: single nucleotide variant.
Coding change: c.4758A>G on transcript NM_001378454.1 (MANE Select); coding-DNA position 4758, A replaced by G.
Protein change: p.Pro1586=; no amino-acid change (proline 1586 retained).
Molecular consequence: synonymous variant.
Genome position (GRCh38, 1-based): chr2:73,451,285, A>G. VCF-style: chr2-73451285-A-G. GRCh37 (hg19) VCF-style: chr2-73678412-A-G.
Other names: c.4761A>G, p.Pro1587= (NM_015120.4).
Identifiers: ClinVar variation 459869 (VCV000459869.15), dbSNP rs778600773, ClinGen allele CA1713759.

ClinVar aggregate classification (germline): Conflicting classifications of pathogenicity. Review status: criteria provided, conflicting classifications (1 of 4 stars). 3 submissions from 3 submitters: Uncertain significance (1); Likely benign (2). Last evaluated 2025-12-03.

Conditions:
Cardiovascular phenotype. Identifiers: MedGen CN230736.
Alstrom syndrome (ALMS). Identifiers: Orphanet 64, MedGen C0268425, MONDO:0008763, OMIM 203800.

Allele frequency attached by ClinVar (database versions not stated): ExAC 0.00001; gnomAD 0.00001 and 0.00002; TOPMed 0.00001; gnomAD exomes 0.00002 and 0.00003.
gnomAD v4.1: 46 of 1,614,002 alleles (0.0029%); highest among the groups gnomAD compares: Non-Finnish European, 0.0036%; no homozygotes.

Submissions (3):

Labcorp Genetics (formerly Invitae), Labcorp
Classification: Likely benign for Alstrom syndrome. Last evaluated: 2025-12-03. Review status: criteria provided, single submitter. Criteria: Invitae Variant Classification Sherloc (09022015). Collection method: clinical testing. Allele origin: germline.

GeneDx
Classification: Uncertain significance. Last evaluated: 2025-08-14. Review status: criteria provided, single submitter. Criteria: GeneDx Variant Classification Process June 2021. Collection method: clinical testing. Allele origin: germline.
Comment: Not observed at significant frequency in large population cohorts (gnomAD); In silico analysis suggests that this variant does not alter splicing; Has not been previously published as pathogenic or benign to our knowledge

Ambry Genetics
Classification: Likely benign for Cardiovascular phenotype. Last evaluated: 2020-01-07. Review status: criteria provided, single submitter. Criteria: Ambry Variant Classification Scheme 2023. Collection method: clinical testing. Allele origin: germline.